The following is an entry in ClinVar:

NM_000059.4(BRCA2):c.6267_6268del (p.Glu2089_His2090insTer)

Gene: BRCA2 (BRCA2 DNA repair associated; plus strand). Cytogenetic location: 13q13.1.
Variant type: Deletion.
Coding change: c.6267_6268del on transcript NM_000059.4 (MANE Select); coding-DNA positions 6267 to 6268, 2 bases deleted (GC; older notation c.6267_6268delGC).
Protein change: p.Glu2089_His2090insTer.
Molecular consequence: frameshift variant.
Genome position (GRCh38, 1-based): chr13:32,340,622-32,340,623, GC deleted. VCF-style (leftmost placement, unchanged base first): chr13-32340621-AGC-A. GRCh37 (hg19) VCF-style: chr13-32914758-AGC-A.
Other names: 6495_6496delGC.
Identifiers: ClinVar variation 266936 (VCV000266936.3), dbSNP rs886040647, ClinGen allele CA10589366.
Genomic context (GRCh38, chr13:32,340,621, plus strand): 5'-TAGAAAGTTCCTTACACAAAGTTAAGGGAGTGTTAGAGGAATTTGATTTAATCAGAACTG[AGC>A]ATAGTCTTCACTATTCACCTACGTCTAGACAAAATGTATCAAAAATACTTCCTCGTGTTG-3'

ClinVar aggregate classification (germline): Pathogenic (3 of 4 stars; one submission).

Conditions:
Breast-ovarian cancer, familial, susceptibility to, 2 (BROVCA2). Also called: BRCA2 Hereditary Breast and Ovarian Cancer. Identifiers: Orphanet 145, MedGen C2675520, MONDO:0012933, OMIM 612555. Disease mechanism: loss of function.

Submission:

Evidence-based Network for the Interpretation of Germline Mutant Alleles (ENIGMA)
Classification: Pathogenic for Breast-ovarian cancer, familial, susceptibility to, 2. Last evaluated: 2016-10-18. Review status: reviewed by expert panel. Criteria: ENIGMA BRCA1/2 Classification Criteria (2015). Collection method: curation. Allele origin: germline.
Comment: Variant allele predicted to encode a truncated non-functional protein.